The following is an entry in ClinVar:

ClinVar aggregate classification (germline): Likely pathogenic (1 of 4 stars; one submission).

Conditions:
Achromatopsia 3 (ACHM3). Also called: TOTAL COLORBLINDNESS WITH MYOPIA; ROD MONOCHROMACY 1; ROD MONOCHROMATISM 1; PINGELAPESE BLINDNESS; ACHROMATOPSIA WITH MYOPIA. Identifiers: Orphanet 49382, MedGen C1849792, MONDO:0009875, OMIM 262300.

Submission:

Myriad Genetics, Inc.
Classification: Likely pathogenic for Achromatopsia 3. Last evaluated: 2022-03-05. Review status: criteria provided, single submitter. Criteria: Myriad Women's Health Autosomal Recessive and X-Linked Classification Criteria (2021). Collection method: clinical testing. Allele origin: unknown.
Comment: NM_019098.4(CNGB3):c.1052delA(Y351Sfs*45) is expected to be pathogenic in the context of CNGB3-related achromatopsia. This variant is predicted to lead to an abnormal or absent protein product due to the creation of a premature termination codon in CNGB3, a gene where loss-of-function variants are known to be pathogenic. Please note: this variant was assessed in the context of healthy population screening.

NM_019098.5(CNGB3):c.1052del (p.Tyr351fs)

Gene: CNGB3 (cyclic nucleotide gated channel subunit beta 3; minus strand). Cytogenetic location: 8q21.3.
Variant type: Deletion.
Coding change: c.1052del on transcript NM_019098.5 (MANE Select); coding-DNA position 1052, one base deleted (A; older notation c.1052delA).
Protein change: p.Tyr351fs; shifts the reading frame from tyrosine 351.
Molecular consequence: frameshift variant.
Genome position (GRCh38, 1-based): chr8:86,644,625, T deleted on the plus strand (A on the coding strand, the reverse complement: CNGB3 is on the minus strand). VCF-style (leftmost placement, unchanged base first): chr8-86644624-GT-G. GRCh37 (hg19) VCF-style: chr8-87656852-GT-G.
Other names: short protein forms Y351fs.
Identifiers: ClinVar variation 1725024 (VCV001725024.2), dbSNP rs2538099860, ClinGen allele CA2580079028.